The following is an entry in ClinVar:

ClinVar aggregate classification (germline): Uncertain significance (1 of 4 stars; one submission).

Conditions:
Niemann-Pick disease, type C1. Also called: NIEMANN-PICK DISEASE, VARIANT TYPE C1; NEUROVISCERAL STORAGE DISEASE WITH VERTICAL SUPRANUCLEAR OPHTHALMOPLEGIA; NIEMANN-PICK DISEASE WITH CHOLESTEROL ESTERIFICATION BLOCK; NIEMANN-PICK DISEASE WITHOUT SPHINGOMYELINASE DEFICIENCY; NIEMANN-PICK DISEASE, CHRONIC NEURONOPATHIC FORM. Identifiers: Orphanet 646, MedGen C3179455, MONDO:0009757, OMIM 257220.

Submission:

Labcorp Genetics (formerly Invitae), Labcorp
Classification: Uncertain significance for Niemann-Pick disease, type C1. Last evaluated: 2024-05-28. Review status: criteria provided, single submitter. Criteria: Invitae Variant Classification Sherloc (09022015). Collection method: clinical testing. Allele origin: germline.
Comment: This sequence change replaces proline, which is neutral and non-polar, with arginine, which is basic and polar, at codon 1245 of the NPC1 protein (p.Pro1245Arg). This variant is not present in population databases (gnomAD no frequency). This variant has not been reported in the literature in individuals affected with NPC1-related conditions. Advanced modeling of protein sequence and biophysical properties (such as structural, functional, and spatial information, amino acid conservation, physicochemical variation, residue mobility, and thermodynamic stability) performed at Invitae indicates that this missense variant is expected to disrupt NPC1 protein function with a positive predictive value of 95%. In summary, the available evidence is currently insufficient to determine the role of this variant in disease. Therefore, it has been classified as a Variant of Uncertain Significance.

NM_000271.5(NPC1):c.3734C>G (p.Pro1245Arg)

Gene: NPC1 (NPC intracellular cholesterol transporter 1; minus strand). Cytogenetic location: 18q11.2.
Variant type: single nucleotide variant.
Coding change: c.3734C>G on transcript NM_000271.5 (MANE Select); coding-DNA position 3734, C replaced by G.
Protein change: p.Pro1245Arg; replaces proline 1245 with arginine.
Molecular consequence: missense variant.
Genome position (GRCh38, 1-based): chr18:23,533,375, G>C on the plus strand (C>G on the coding strand, the complement: NPC1 is on the minus strand). VCF-style: chr18-23533375-G-C. GRCh37 (hg19) VCF-style: chr18-21113339-G-C.
Other names: short protein forms P1245R.
Identifiers: ClinVar variation 3637532 (VCV003637532.2).